The following is an entry in ClinVar:

ClinVar aggregate classification (germline): Likely benign (1 of 4 stars; one submission).

Allele frequency attached by ClinVar (database versions not stated): 1000 Genomes Project 30x 0.00016; TOPMed 0.00145; gnomAD 0.00147 and 0.00152; gnomAD exomes 0.00162.
gnomAD v4.1: 610 of 398,552 alleles (0.15%); highest among the groups gnomAD compares: Non-Finnish European, 0.22%; 1 homozygote.

Submission:

CeGaT Center for Human Genetics Tuebingen
Classification: Likely benign. Last evaluated: 2023-01-01. Review status: criteria provided, single submitter. Criteria: CeGaT Center For Human Genetics Tuebingen Variant Classification Criteria Version 2. Collection method: clinical testing. Allele origin: germline. Affected: yes. Observed: 5 variant alleles.
Comment: KCNQ2: BS1

NM_172107.4(KCNQ2):c.*5930C>T

Gene: KCNQ2 (potassium voltage-gated channel subfamily Q member 2; minus strand). Cytogenetic location: 20q13.33.
Variant type: single nucleotide variant.
Coding change: c.*5930C>T on transcript NM_172107.4 (MANE Select); 5930 bases downstream of the stop codon, C replaced by T.
Molecular consequence: 3 prime UTR variant.
Genome position (GRCh38, 1-based): chr20:63,400,714, G>A on the plus strand (C>T on the coding strand, the complement: KCNQ2 is on the minus strand). VCF-style: chr20-63400714-G-A. GRCh37 (hg19) VCF-style: chr20-62032067-G-A.
Other names: c.*5930C>T (NM_001382235.1, NM_004518.6, NM_172106.3 and 1 more transcripts).
Identifiers: ClinVar variation 1695020 (VCV001695020.31), dbSNP rs527410863, ClinGen allele CA317414872.